The following is an entry in ClinVar:

NM_000384.3(APOB):c.2345_2346del (p.Glu782fs)

Gene: APOB (apolipoprotein B; minus strand). Cytogenetic location: 2p24.1.
Variant type: Microsatellite.
Coding change: c.2345_2346del on transcript NM_000384.3 (MANE Select); coding-DNA positions 2345 to 2346, 2 bases deleted (AG; older notation c.2345_2346delAG).
Protein change: p.Glu782fs; shifts the reading frame from glutamic acid 782.
Molecular consequence: frameshift variant.
Genome position (GRCh38, 1-based): chr2:21,025,023-21,025,024, CT deleted on the plus strand (AG on the coding strand, the reverse complement: APOB is on the minus strand); deleting any 2 consecutive bases within chr2:21,025,023-21,025,027 gives the same sequence; the c. name uses the placement nearest the transcript's 3' end. VCF-style (leftmost placement, unchanged base first): chr2-21025022-CCT-C. GRCh37 (hg19) VCF-style: chr2-21247894-CCT-C.
Other names: short protein forms E782fs.
Identifiers: ClinVar variation 5027963 (VCV005027963.1).

ClinVar aggregate classification (germline): Pathogenic (1 of 4 stars; one submission).

Conditions:
Cardiovascular phenotype. Identifiers: MedGen CN230736.

Submission:

Ambry Genetics
Classification: Pathogenic for Cardiovascular phenotype. Last evaluated: 2026-09-01. Review status: criteria provided, single submitter. Criteria: Ambry Variant Classification Scheme 2023. Collection method: clinical testing. Allele origin: germline.
Comment: The c.2345_2346delAG pathogenic mutation, located in coding exon 16 of the APOB gene, results from a deletion of two nucleotides at nucleotide positions 2345 to 2346, causing a translational frameshift with a predicted alternate stop codon (p.E782Gfs*9). This alteration is expected to result in loss of function by premature protein truncation or nonsense-mediated mRNA decay. Although biallelic loss of function of APOB has been associated with autosomal recessive hypobetalipoproteinemia, haploinsufficiency of APOB is not a mechanism of disease for autosomal dominant familial hypercholesterolemia. Based on the supporting evidence, this variant is expected to be causative of autosomal recessive APOB-related hypobetalipoproteinemia when present along with a second pathogenic variant on the other allele; however, it is unlikely to be causative of autosomal dominant familial hypercholesterolemia.